The following is an entry in ClinVar:

NM_001164508.2(NEB):c.12639+5G>C

Gene: NEB (nebulin; minus strand). Cytogenetic location: 2q23.3.
Variant type: single nucleotide variant.
Coding change: c.12639+5G>C on transcript NM_001164508.2 (MANE Select); 5 bases into the intron after coding-DNA position 12639, G replaced by C.
Molecular consequence: intron variant.
Genome position (GRCh38, 1-based): chr2:151,607,499, C>G on the plus strand (G>C on the coding strand, the complement: NEB is on the minus strand). VCF-style: chr2-151607499-C-G. GRCh37 (hg19) VCF-style: chr2-152464013-C-G.
Other names: c.11601+2310G>C (NM_004543.5); c.12639+5G>C (NM_001164507.2, NM_001271208.2).
Identifiers: ClinVar variation 4852771 (VCV004852771.1).

ClinVar aggregate classification (germline): Uncertain significance (1 of 4 stars; one submission).

Conditions:
Nemaline myopathy 2 (NEM2). Also called: Nemaline myopathy 2, autosomal recessive. Identifiers: MedGen C1850569, MONDO:0009725, OMIM 256030.

Submission:

Diagnostics Services (NGS), CSIR - Centre For Cellular And Molecular Biology
Classification: Uncertain significance for Nemaline myopathy 2. Last evaluated: 2026-05-05. Review status: criteria provided, single submitter. Criteria: ACMG Guidelines, 2015. Collection method: clinical testing. Allele origin: germline. Affected: yes. Observed: 1 variant allele, 1 heterozygote.
Comment: The c.12639+5G>C variant is not present in publicly available population databases like 1000 Genome, EVS, gnomAD, Indian Exome Database or in our internal database. This variant has neither been published in the literature for NEB-related conditions nor reported to clinical databases like Human Genome Mutation database (HGMD), OMIM, or ClinVar in any affected individuals. This variant is present near the exon-intron splice-junction (splice distance- 5 bp) and some of the algorithms developed to predict the effect of sequence changes on RNA splicing suggest that this variant can disrupt the consensus splice site. In-silico pathogenicity prediction programs like HSF-Pro, MutationTaster2021, CADD, etc predicted this variant to be likely deleterious, however these predictions were not confirmed by published functional/ translational studies.